The following is an entry in ClinVar:

NM_000066.4(C8B):c.534-2A>G

Gene: C8B (complement C8 beta chain; minus strand). Cytogenetic location: 1p32.2.
Variant type: single nucleotide variant.
Coding change: c.534-2A>G on transcript NM_000066.4 (MANE Select); the canonical splice acceptor site of the intron before coding-DNA position 534, A replaced by G.
Molecular consequence: splice acceptor variant.
Genome position (GRCh38, 1-based): chr1:56,952,182, T>C on the plus strand (A>G on the coding strand, the complement: C8B is on the minus strand). VCF-style: chr1-56952182-T-C. GRCh37 (hg19) VCF-style: chr1-57417855-T-C.
Other names: c.348-2A>G (NM_001278544.2); c.378-2A>G (NM_001278543.2).
Identifiers: ClinVar variation 2883477 (VCV002883477.4), dbSNP rs766080403, ClinGen allele CA875934.

ClinVar aggregate classification (germline): Likely pathogenic (1 of 4 stars; one submission).

Allele frequency attached by ClinVar (database versions not stated): ExAC 0.00001; TOPMed 0.00022; gnomAD 0.00061; gnomAD exomes 0.00002.
gnomAD v4.1: 122 of 1,614,038 alleles (0.0076%); highest among the groups gnomAD compares: Admixed American, 0.2%; 1 homozygote.

Submissions (2):

Labcorp Genetics (formerly Invitae), Labcorp
Classification: Likely pathogenic. Last evaluated: 2025-12-23. Review status: criteria provided, single submitter. Criteria: Invitae Variant Classification Sherloc (09022015). Collection method: clinical testing. Allele origin: germline.
Comment: This sequence change affects an acceptor splice site in intron 4 of the C8B gene. It is expected to disrupt RNA splicing. Variants that disrupt the donor or acceptor splice site typically lead to a loss of protein function (PMID: 16199547), and loss-of-function variants in C8B are known to be pathogenic (PMID: 7594510). This variant is present in population databases (rs766080403, gnomAD 0.09%). This variant has not been reported in the literature in individuals affected with C8B-related conditions. ClinVar contains an entry for this variant (Variation ID: 2883477). Algorithms developed to predict the effect of sequence changes on RNA splicing suggest that this variant may disrupt the consensus splice site. In summary, the currently available evidence indicates that the variant is pathogenic, but additional data are needed to prove that conclusively. Therefore, this variant has been classified as Likely Pathogenic.

Dr. Peter K. Rogan Lab, Western University
No classification provided (evidence only). Condition: Cholangiocarcinoma. Review status: no classification provided. Collection method: in vitro. Allele origin: not applicable. Functional consequence: skipped exon, retained intron. Not counted in ClinVar's aggregate classification.

Literature cited by the submitters: PubMed 16199547 (cited by Labcorp Genetics (formerly Invitae), Labcorp); PubMed 7594510 (cited by Labcorp Genetics (formerly Invitae), Labcorp).